The following is an entry in ClinVar:

NM_004655.4(AXIN2):c.775G>A (p.Ala259Thr)

Gene: AXIN2 (axin 2; minus strand). Cytogenetic location: 17q24.1.
Variant type: single nucleotide variant.
Coding change: c.775G>A on transcript NM_004655.4 (MANE Select); coding-DNA position 775, G replaced by A.
Protein change: p.Ala259Thr; replaces alanine 259 with threonine.
Molecular consequence: missense variant.
Genome position (GRCh38, 1-based): chr17:65,557,846, C>T on the plus strand (G>A on the coding strand, the complement: AXIN2 is on the minus strand). VCF-style: chr17-65557846-C-T. GRCh37 (hg19) VCF-style: chr17-63553964-C-T.
Other names: c.775G>A, p.Ala259Thr (NM_001363813.1); short protein forms A259T.
Identifiers: ClinVar variation 4867299 (VCV004867299.1).

ClinVar aggregate classification (germline): Uncertain significance (1 of 4 stars; one submission).

Conditions:
Hereditary cancer-predisposing syndrome. Also called: Neoplastic Syndromes, Hereditary; Tumor predisposition; Hereditary Cancer Syndrome; Hereditary neoplastic syndrome. Identifiers: Orphanet 140162, MedGen C0027672, MeSH D009386, MONDO:0015356.

Submission:

Ambry Genetics
Classification: Uncertain significance for Hereditary cancer-predisposing syndrome. Last evaluated: 2026-04-04. Review status: criteria provided, single submitter. Criteria: Ambry Variant Classification Scheme 2023. Collection method: clinical testing. Allele origin: germline.
Comment: The p.A259T variant (also known as c.775G>A), located in coding exon 1 of the AXIN2 gene, results from a G to A substitution at nucleotide position 775. The alanine at codon 259 is replaced by threonine, an amino acid with similar properties. This amino acid position is conserved. In addition, this alteration is predicted to be tolerated by in silico analysis. Based on the available evidence, the clinical significance of this variant remains unclear.